The following is an entry in ClinVar:

ClinVar aggregate classification (germline): Uncertain significance (1 of 4 stars; one submission).

Conditions:
Familial thoracic aortic aneurysm and aortic dissection (TAAD). Also called: Thoracic aortic aneurysms and dissections. Identifiers: Orphanet 91387, MedGen C4707243, MONDO:0019625.

Allele frequency attached by ClinVar (database versions not stated): gnomAD 0.00001.
gnomAD v4.1: 2 of 1,614,100 alleles (0.00012%); highest among the groups gnomAD compares: African/African-American, 0.0027%; no homozygotes.

Submission:

Ambry Genetics
Classification: Uncertain significance for Familial thoracic aortic aneurysm and aortic dissection. Last evaluated: 2021-07-22. Review status: criteria provided, single submitter. Criteria: Ambry Variant Classification Scheme 2023. Collection method: clinical testing. Allele origin: germline.
Comment: The p.I744T variant (also known as c.2231T>C), located in coding exon 13 of the MYLK gene, results from a T to C substitution at nucleotide position 2231. The isoleucine at codon 744 is replaced by threonine, an amino acid with similar properties. This amino acid position is conserved. In addition, the in silico prediction for this alteration is inconclusive. Since supporting evidence is limited at this time, the clinical significance of this alteration remains unclear.

NM_053025.4(MYLK):c.2231T>C (p.Ile744Thr)

Gene: MYLK (myosin light chain kinase; minus strand). Cytogenetic location: 3q21.1.
Variant type: single nucleotide variant.
Coding change: c.2231T>C on transcript NM_053025.4 (MANE Select); coding-DNA position 2231, T replaced by C.
Protein change: p.Ile744Thr; replaces isoleucine 744 with threonine.
Molecular consequence: missense variant.
Genome position (GRCh38, 1-based): chr3:123,707,913, A>G on the plus strand (T>C on the coding strand, the complement: MYLK is on the minus strand). VCF-style: chr3-123707913-A-G. GRCh37 (hg19) VCF-style: chr3-123426760-A-G.
Other names: c.1703T>C, p.Ile568Thr (NM_001321309.2); c.2024T>C, p.Ile675Thr (NM_053026.4, NM_053028.4); c.2231T>C, p.Ile744Thr (NM_053027.4); short protein forms I744T, I675T, I568T.
Identifiers: ClinVar variation 1788125 (VCV001788125.2), dbSNP rs1386486112, ClinGen allele CA354233994.